The following is an entry in ClinVar:

NM_001042492.3(NF1):c.2743_2744del (p.Thr915fs)

Gene: NF1 (neurofibromin 1; plus strand). Cytogenetic location: 17q11.2.
Variant type: Deletion.
Coding change: c.2743_2744del on transcript NM_001042492.3 (MANE Select); coding-DNA positions 2743 to 2744, 2 bases deleted (AC; older notation c.2743_2744delAC).
Protein change: p.Thr915fs; shifts the reading frame from threonine 915.
Molecular consequence: frameshift variant.
Genome position (GRCh38, 1-based): chr17:31,229,358-31,229,359, AC deleted. VCF-style (leftmost placement, unchanged base first): chr17-31229357-GAC-G. GRCh37 (hg19) VCF-style: chr17-29556375-GAC-G.
Other names: c.2743_2744del, p.Thr915fs (NM_000267.4); short protein forms T915fs.
Identifiers: ClinVar variation 4722371 (VCV004722371.1).

ClinVar aggregate classification (germline): Pathogenic (1 of 4 stars; one submission).

Conditions:
Neurofibromatosis, type 1 (NF1). Also called: NEUROFIBROMATOSIS, TYPE I, SOMATIC; VON RECKLINGHAUSEN DISEASE; Peripheral type neurofibromatosis; Neurofibromatosis, type I. Identifiers: Orphanet 636, MedGen C0027831, MONDO:0018975, OMIM 162200. Disease mechanism: loss of function.

Submission:

Labcorp Genetics (formerly Invitae), Labcorp
Classification: Pathogenic for Neurofibromatosis, type 1. Last evaluated: 2025-06-30. Review status: criteria provided, single submitter. Criteria: Invitae Variant Classification Sherloc (09022015). Collection method: clinical testing. Allele origin: germline.
Comment: This sequence change creates a premature translational stop signal (p.Thr915Glnfs*3) in the NF1 gene. It is expected to result in an absent or disrupted protein product. Loss-of-function variants in NF1 are known to be pathogenic (PMID: 10712197, 23913538). This variant is not present in population databases (gnomAD no frequency). This variant has not been reported in the literature in individuals affected with NF1-related conditions. For these reasons, this variant has been classified as Pathogenic.

Literature cited by the submitters: PubMed 10712197; PubMed 23913538.